The following is an entry in ClinVar:

NM_007186.6(CEP250):c.6769G>A (p.Glu2257Lys)

Gene: CEP250 (centrosomal protein 250; plus strand). Cytogenetic location: 20q11.22.
Variant type: single nucleotide variant.
Coding change: c.6769G>A on transcript NM_007186.6 (MANE Select); coding-DNA position 6769, G replaced by A.
Protein change: p.Glu2257Lys; replaces glutamic acid 2257 with lysine.
Molecular consequence: missense variant.
Genome position (GRCh38, 1-based): chr20:35,508,053, G>A. VCF-style: chr20-35508053-G-A. GRCh37 (hg19) VCF-style: chr20-34095882-G-A.
Other names: c.4873G>A, p.Glu1625Lys (NM_001318219.1); short protein forms E1625K, E2257K.
Identifiers: ClinVar variation 1954585 (VCV001954585.5), dbSNP rs1168484294, ClinGen allele CA408759788.

ClinVar aggregate classification (germline): Uncertain significance (1 of 4 stars; one submission).

Allele frequency attached by ClinVar (database versions not stated): gnomAD exomes below 0.00001.
gnomAD v4.1: 1 of 1,614,198 alleles (0.000062%); highest among the groups gnomAD compares: African/African-American, 0.0013%; no homozygotes.

Submission:

Labcorp Genetics (formerly Invitae), Labcorp
Classification: Uncertain significance. Last evaluated: 2022-05-12. Review status: criteria provided, single submitter. Criteria: Invitae Variant Classification Sherloc (09022015). Collection method: clinical testing. Allele origin: germline.
Comment: In summary, the available evidence is currently insufficient to determine the role of this variant in disease. Therefore, it has been classified as a Variant of Uncertain Significance. Algorithms developed to predict the effect of missense changes on protein structure and function are either unavailable or do not agree on the potential impact of this missense change (SIFT: "Not Available"; PolyPhen-2: "Benign"; Align-GVGD: "Not Available"). This variant has not been reported in the literature in individuals affected with CEP250-related conditions. This variant is not present in population databases (gnomAD no frequency). This sequence change replaces glutamic acid, which is acidic and polar, with lysine, which is basic and polar, at codon 2257 of the CEP250 protein (p.Glu2257Lys).